The following is an entry in ClinVar:

NM_001032283.3(TMPO):c.565+1576T>C

Gene: TMPO (thymopoietin; plus strand). Cytogenetic location: 12q23.1.
Variant type: single nucleotide variant.
Coding change: c.565+1576T>C on transcript NM_001032283.3 (MANE Select); 1576 bases into the intron after coding-DNA position 565, T replaced by C.
Molecular consequence: intron variant. On other transcripts: missense variant (1).
Genome position (GRCh38, 1-based): chr12:98,533,414, T>C. VCF-style: chr12-98533414-T-C. GRCh37 (hg19) VCF-style: chr12-98927192-T-C.
Other names: c.1157T>C, p.Val386Ala (NM_003276.2); c.565+1576T>C (NM_001307975.2, NM_001032284.3); short protein forms V386A.
Identifiers: ClinVar variation 1215686 (VCV001215686.10), dbSNP rs747232440, ClinGen allele CA6732371.
Genomic context (GRCh38, chr12:98,533,414, plus strand): 5'-CACAACTAATTTCTCCGCCACTTGCCCAGGCAATCAGAGATTATGTCAATTCTCTGTTGG[T>C]CCAGGGTGGGGTAGGTAGTTTGCCTGGAACTTCTAACTCTATGCCCCCACTGGATGTAGA-3'

ClinVar aggregate classification (germline): Uncertain significance. Review status: criteria provided, multiple submitters, no conflicts (2 of 4 stars). 3 submissions from 3 submitters: Uncertain significance (3). Last evaluated 2023-09-25.

Conditions:
Loeys-Dietz syndrome 2 (LDS2). Also called: Marfan Syndrome type 2; Marfan like connective tissue disorder; MFS 2; Marfan syndrome, type 2 (formerly); AORTIC ANEURYSM, FAMILIAL THORACIC 3; MARFAN SYNDROME, TYPE II. Identifiers: Orphanet 284973, Orphanet 558, MedGen C2674574, MONDO:0012427, OMIM 610168.

Allele frequency attached by ClinVar (database versions not stated): gnomAD exomes below 0.00001 and 0.00001; ExAC 0.00001; gnomAD 0.00001; TOPMed 0.00001.
gnomAD v4.1: 9 of 1,614,198 alleles (0.00056%); highest among the groups gnomAD compares: Middle Eastern, 0.066%; no homozygotes.

Submissions (3):

Ambry Genetics
Classification: Uncertain significance. Last evaluated: 2023-09-25. Review status: criteria provided, single submitter. Criteria: Ambry Variant Classification Scheme 2023. Collection method: clinical testing. Allele origin: germline.
Comment: The p.V386A variant (also known as c.1157T>C), located in coding exon 4 of the TMPO gene, results from a T to C substitution at nucleotide position 1157. The valine at codon 386 is replaced by alanine, an amino acid with similar properties. This amino acid position is conserved. In addition, this alteration is predicted to be tolerated by in silico analysis. Since supporting evidence is limited at this time, the clinical significance of this alteration remains unclear.

Labcorp Genetics (formerly Invitae), Labcorp
Classification: Uncertain significance for Loeys-Dietz syndrome 2. Last evaluated: 2022-05-18. Review status: criteria provided, single submitter. Criteria: Invitae Variant Classification Sherloc (09022015). Collection method: clinical testing. Allele origin: germline.
Comment: This variant is present in population databases (rs747232440, gnomAD 0.0009%). In summary, the available evidence is currently insufficient to determine the role of this variant in disease. Therefore, it has been classified as a Variant of Uncertain Significance. Algorithms developed to predict the effect of missense changes on protein structure and function output the following: SIFT: "Tolerated"; PolyPhen-2: "Probably Damaging"; Align-GVGD: "Class C0". The alanine amino acid residue is found in multiple mammalian species, which suggests that this missense change does not adversely affect protein function. ClinVar contains an entry for this variant (Variation ID: 1215686). This variant has not been reported in the literature in individuals affected with TMPO-related conditions. This sequence change replaces valine, which is neutral and non-polar, with alanine, which is neutral and non-polar, at codon 386 of the TMPO protein (p.Val386Ala).

GeneDx
Classification: Uncertain significance. Last evaluated: 2020-03-12. Review status: criteria provided, single submitter. Criteria: GeneDx Variant Classification Process June 2021. Collection method: clinical testing. Allele origin: germline. Affected: yes.
Comment: Has not been previously published as pathogenic or benign to our knowledge; Not observed at a significant frequency in large population cohorts (Lek et al., 2016); In silico analysis supports that this missense variant does not alter protein structure/function